The following is an entry in ClinVar:

NM_000051.4(ATM):c.8579C>G (p.Ser2860Cys)

Genes: ATM (ATM serine/threonine kinase; plus strand), C11orf65 (chromosome 11 open reading frame 65; minus strand). Cytogenetic location: 11q22.3.
Variant type: single nucleotide variant.
Coding change: c.8579C>G on transcript NM_000051.4 (MANE Select); coding-DNA position 8579, C replaced by G.
Protein change: p.Ser2860Cys; replaces serine 2860 with cysteine.
Molecular consequence: missense variant. On other transcripts: intron variant (2).
Genome position (GRCh38, 1-based): chr11:108,345,903, C>G. VCF-style: chr11-108345903-C-G. GRCh37 (hg19) VCF-style: chr11-108216630-C-G.
Other names: c.8579C>G, p.Ser2860Cys (NM_001351834.2); c.641-36832G>C (NM_001330368.2); c.695-10611G>C (NM_001351110.2); short protein forms S2860C.
Identifiers: ClinVar variation 822575 (VCV000822575.22), dbSNP rs1158350157, ClinGen allele CA382518769.

ClinVar aggregate classification (germline): Uncertain significance. Review status: criteria provided, multiple submitters, no conflicts (2 of 4 stars). 3 submissions from 3 submitters: Uncertain significance (2). 1 of the submissions does not count toward it. Last evaluated 2024-12-12.

Conditions:
Hereditary cancer-predisposing syndrome. Also called: Tumor predisposition; Neoplastic Syndromes, Hereditary; Hereditary Cancer Syndrome; Hereditary neoplastic syndrome. Identifiers: Orphanet 140162, MedGen C0027672, MeSH D009386, MONDO:0015356.
Ataxia-telangiectasia syndrome (AT). Also called: ATAXIA-TELANGIECTASIA, COMPLEMENTATION GROUP A; ATAXIA-TELANGIECTASIA, FRESNO VARIANT; Ataxia-telangiectasia; Ataxia-telangiectasia, complementation group D; AT, COMPLEMENTATION GROUP C; Ataxia-telangiectasia, complementation group E. Identifiers: Orphanet 100, MedGen C0004135, MONDO:0008840, OMIM 208900.

Allele frequency attached by ClinVar (database versions not stated): gnomAD exomes below 0.00001.
gnomAD v4.1: 2 of 1,613,594 alleles (0.00012%); highest among the groups gnomAD compares: Admixed American, 0.0017%; no homozygotes.

Submissions (3):

Ambry Genetics
Classification: Uncertain significance for Hereditary cancer-predisposing syndrome. Last evaluated: 2024-12-12. Review status: criteria provided, single submitter. Criteria: Ambry Variant Classification Scheme 2023. Collection method: clinical testing. Allele origin: germline.
Comment: The p.S2860C variant (also known as c.8579C>G), located in coding exon 57 of the ATM gene, results from a C to G substitution at nucleotide position 8579. The serine at codon 2860 is replaced by cysteine, an amino acid with dissimilar properties. This amino acid position is highly conserved in available vertebrate species. In addition, this alteration is predicted to be deleterious by in silico analysis. Based on the available evidence, the clinical significance of this variant remains unclear.

Labcorp Genetics (formerly Invitae), Labcorp
Classification: Uncertain significance for Ataxia-telangiectasia syndrome. Last evaluated: 2023-12-17. Review status: criteria provided, single submitter. Criteria: Invitae Variant Classification Sherloc (09022015). Collection method: clinical testing. Allele origin: germline.
Comment: This sequence change replaces serine, which is neutral and polar, with cysteine, which is neutral and slightly polar, at codon 2860 of the ATM protein (p.Ser2860Cys). This variant is present in population databases (no rsID available, gnomAD 0.003%). This variant has not been reported in the literature in individuals affected with ATM-related conditions. ClinVar contains an entry for this variant (Variation ID: 822575). An algorithm developed to predict the effect of missense changes on protein structure and function (PolyPhen-2) suggests that this variant is likely to be disruptive. In summary, the available evidence is currently insufficient to determine the role of this variant in disease. Therefore, it has been classified as a Variant of Uncertain Significance.

Natera, Inc.
Classification: Uncertain significance for Ataxia-telangiectasia. Last evaluated: 2020-12-14. Review status: no assertion criteria provided. Collection method: clinical testing. Allele origin: germline. Not counted in ClinVar's aggregate classification.